The following is an entry in ClinVar:

NM_199355.4(ADAMTS18):c.3337C>T (p.Arg1113Trp)

Gene: ADAMTS18 (ADAM metallopeptidase with thrombospondin type 1 motif 18; minus strand). Cytogenetic location: 16q23.1.
Variant type: single nucleotide variant.
Coding change: c.3337C>T on transcript NM_199355.4 (MANE Select); coding-DNA position 3337, C replaced by T.
Protein change: p.Arg1113Trp; replaces arginine 1113 with tryptophan.
Molecular consequence: missense variant.
Genome position (GRCh38, 1-based): chr16:77,291,331, G>A on the plus strand (C>T on the coding strand, the complement: ADAMTS18 is on the minus strand). VCF-style: chr16-77291331-G-A. GRCh37 (hg19) VCF-style: chr16-77325228-G-A.
Other names: c.2821C>T, p.Arg941Trp (NM_001326358.2); short protein forms R941W, R1113W.
Identifiers: ClinVar variation 1035093 (VCV001035093.6), dbSNP rs148910905, ClinGen allele CA8180492.

ClinVar aggregate classification (germline): Uncertain significance (1 of 4 stars; one submission).

Allele frequency attached by ClinVar (database versions not stated): gnomAD exomes 0.00005 and 0.00012; TOPMed 0.00006; ESP Exome Variant Server 0.00008; gnomAD 0.00008; ExAC 0.00011; 1000 Genomes Project 30x 0.00016; 1000 Genomes Project 0.00020.
gnomAD v4.1: 85 of 1,614,204 alleles (0.0053%); highest among the groups gnomAD compares: Middle Eastern, 0.05%; no homozygotes.

Submission:

Labcorp Genetics (formerly Invitae), Labcorp
Classification: Uncertain significance. Last evaluated: 2022-09-13. Review status: criteria provided, single submitter. Criteria: Invitae Variant Classification Sherloc (09022015). Collection method: clinical testing. Allele origin: germline.
Comment: This sequence change replaces arginine, which is basic and polar, with tryptophan, which is neutral and slightly polar, at codon 1113 of the ADAMTS18 protein (p.Arg1113Trp). This variant is present in population databases (rs148910905, gnomAD 0.06%). This variant has not been reported in the literature in individuals affected with ADAMTS18-related conditions. ClinVar contains an entry for this variant (Variation ID: 1035093). Algorithms developed to predict the effect of missense changes on protein structure and function are either unavailable or do not agree on the potential impact of this missense change (SIFT: "Not Available"; PolyPhen-2: "Possibly Damaging"; Align-GVGD: "Not Available"). In summary, the available evidence is currently insufficient to determine the role of this variant in disease. Therefore, it has been classified as a Variant of Uncertain Significance.